The following is an entry in ClinVar:

NM_144670.6(A2ML1):c.3576A>G (p.Val1192=)

Gene: A2ML1 (alpha-2-macroglobulin like 1; plus strand). Cytogenetic location: 12p13.31.
Variant type: single nucleotide variant.
Coding change: c.3576A>G on transcript NM_144670.6 (MANE Select); coding-DNA position 3576, A replaced by G.
Protein change: p.Val1192=; no amino-acid change (valine 1192 retained).
Molecular consequence: synonymous variant.
Genome position (GRCh38, 1-based): chr12:8,863,867, A>G. VCF-style: chr12-8863867-A-G. GRCh37 (hg19) VCF-style: chr12-9016463-A-G.
Other names: c.2103A>G, p.Val701= (NM_001282424.3); c.3576A>G (NM_144670.5).
Identifiers: ClinVar variation 413829 (VCV000413829.14), dbSNP rs771118520, ClinGen allele CA6436427.
Genomic context (GRCh38, chr12:8,863,867, plus strand): 5'-CTGGAGCCAGAAACCTACTCCATCATCGAACGCCAGCCCTTGGTCTGAGCCTGCGGCTGT[A>G]GATGTGGAACTCACAGCATATGCATTGTTGGCCCAGCTTACCAAGCCCAGCCTGACTCAA-3'
Protein context (NP_653271.3, residues 1182-1202): NASPWSEPAA[Val1192=]DVELTAYALL

ClinVar aggregate classification (germline): Likely benign. Review status: criteria provided, multiple submitters, no conflicts (2 of 4 stars). 3 submissions from 3 submitters: Likely benign (3). Last evaluated 2025-10-21.

Conditions:
A2ML1-related disorder. Also called: A2ML1-related condition.

Allele frequency attached by ClinVar (database versions not stated): ExAC 0.00002; gnomAD 0.00002; gnomAD exomes 0.00004 and 0.00020; TOPMed 0.00007.
gnomAD v4.1: 296 of 1,614,096 alleles (0.018%); highest among the groups gnomAD compares: Non-Finnish European, 0.024%; 1 homozygote.

Submissions (3):

Labcorp Genetics (formerly Invitae), Labcorp
Classification: Likely benign. Last evaluated: 2025-10-21. Review status: criteria provided, single submitter. Criteria: Invitae Variant Classification Sherloc (09022015). Collection method: clinical testing. Allele origin: germline.

PreventionGenetics, part of Exact Sciences
Classification: Likely benign for A2ML1-related condition. Last evaluated: 2024-10-28. Review status: criteria provided, single submitter. Criteria: ACMG Guidelines, 2015. Collection method: clinical testing. Allele origin: germline.
Comment: This variant is classified as likely benign based on ACMG/AMP sequence variant interpretation guidelines (Richards et al. 2015 PMID: 25741868, with internal and published modifications).

Ambry Genetics
Classification: Likely benign. Last evaluated: 2019-11-14. Review status: criteria provided, single submitter. Criteria: Ambry Variant Classification Scheme 2023. Collection method: clinical testing. Allele origin: germline.